The following is an entry in ClinVar:

NC_000001.10:g.(?_1284256)_(1475190_?)dup

Genes: DVL1 (dishevelled segment polarity protein 1; minus strand), MRPL20 (mitochondrial ribosomal protein L20; minus strand), MXRA8 (matrix remodeling associated 8; minus strand), TMEM240 (transmembrane protein 240; minus strand), TMEM88B (transmembrane protein 88B; plus strand) and 7 more. Cytogenetic location: 1p36.33.
Variant type: Duplication.
Identifiers: ClinVar variation 3247908 (VCV003247908.1).

ClinVar aggregate classification (germline): Uncertain significance (1 of 4 stars; one submission).

Submission:

Labcorp Genetics (formerly Invitae), Labcorp
Classification: Uncertain significance. Last evaluated: 2023-11-05. Review status: criteria provided, single submitter. Criteria: Invitae Variant Classification Sherloc (09022015). Collection method: clinical testing. Allele origin: unknown.
Comment: This variant results in a copy number gain of the genomic region encompassing exon(s) 2-4 of the TMEM240 gene. This region includes the termination codon of the gene. This copy number gain extends beyond the assayed region for this gene and therefore may encompass additional genes. As the precise location of this event is unknown, it may be in tandem or it may be located elsewhere in the genome. This variant has not been reported in the literature in individuals affected with TMEM240-related conditions. Experimental studies and prediction algorithms are not available or were not evaluated, and the functional significance of this variant is currently unknown. In summary, the available evidence is currently insufficient to determine the role of this variant in disease. Therefore, it has been classified as a Variant of Uncertain Significance.